The following is an entry in ClinVar:

NM_138295.5(PKD1L1):c.6093A>G (p.Pro2031=)

Gene: PKD1L1 (polycystin 1 like 1, transient receptor potential channel interacting; minus strand). Cytogenetic location: 7p12.3.
Variant type: single nucleotide variant.
Coding change: c.6093A>G on transcript NM_138295.5 (MANE Select); coding-DNA position 6093, A replaced by G.
Protein change: p.Pro2031=; no amino-acid change (proline 2031 retained).
Molecular consequence: synonymous variant.
Genome position (GRCh38, 1-based): chr7:47,835,001, T>C on the plus strand (A>G on the coding strand, the complement: PKD1L1 is on the minus strand). VCF-style: chr7-47835001-T-C. GRCh37 (hg19) VCF-style: chr7-47874599-T-C.
Identifiers: ClinVar variation 3029357 (VCV003029357.2), dbSNP rs1785426587, ClinGen allele CA454917876.

ClinVar aggregate classification (germline): Likely benign (0 of 4 stars; one submission).

Conditions:
PKD1L1-related disorder. Also called: PKD1L1-related condition.

Allele frequency attached by ClinVar (database versions not stated): gnomAD 0.00001.
gnomAD v4.1: 5 of 1,613,780 alleles (0.00031%); highest among the groups gnomAD compares: African/African-American, 0.0027%; no homozygotes.

Submission:

PreventionGenetics, part of Exact Sciences
Classification: Likely benign for PKD1L1-related condition. Last evaluated: 2022-03-31. Review status: no assertion criteria provided. Collection method: clinical testing. Allele origin: germline.
Comment: This variant is classified as likely benign based on ACMG/AMP sequence variant interpretation guidelines (Richards et al. 2015 PMID: 25741868, with internal and published modifications).